The following is an entry in ClinVar:

NM_199242.3(UNC13D):c.2273C>A (p.Thr758Asn)

Gene: UNC13D (unc-13 homolog D; minus strand). Cytogenetic location: 17q25.1.
Variant type: single nucleotide variant.
Coding change: c.2273C>A on transcript NM_199242.3 (MANE Select); coding-DNA position 2273, C replaced by A.
Protein change: p.Thr758Asn; replaces threonine 758 with asparagine.
Molecular consequence: missense variant.
Genome position (GRCh38, 1-based): chr17:75,834,350, G>T on the plus strand (C>A on the coding strand, the complement: UNC13D is on the minus strand). VCF-style: chr17-75834350-G-T. GRCh37 (hg19) VCF-style: chr17-73830431-G-T.
Other names: short protein forms T758N.
Identifiers: ClinVar variation 4741239 (VCV004741239.1).
Genomic context (GRCh38, chr17:75,834,350, plus strand): 5'-ATGGGATGGGGTGACTGTGCGGTCGGACAAGGTACCTGCTCGGCCAGGGTGCGGACGCCA[G>T]TGCGGATCTCATGGCCCAGCCCGGCCAGCGCGCTCTGCAGCTGGGCATGCAGCGTGTTCT-3'
Protein context (NP_954712.1, residues 748-768): ALAGLGHEIR[Thr758Asn]GVRTLAEQLE

ClinVar aggregate classification (germline): Uncertain significance (1 of 4 stars; one submission).

Conditions:
Familial hemophagocytic lymphohistiocytosis 3 (FHL3). Also called: UNC13D-Related Familial Hemophagocytic Lymphohistiocytosis (UNC13D-fHLH). Identifiers: Orphanet 540, MedGen C1837174, MONDO:0012146, OMIM 608898.

gnomAD v4.1: 5 of 1,595,050 alleles (0.00031%); highest among the groups gnomAD compares: Non-Finnish European, 0.00042%; no homozygotes.

Submission:

Labcorp Genetics (formerly Invitae), Labcorp
Classification: Uncertain significance for Familial hemophagocytic lymphohistiocytosis 3. Last evaluated: 2026-01-12. Review status: criteria provided, single submitter. Criteria: Invitae Variant Classification Sherloc (09022015). Collection method: clinical testing. Allele origin: germline.
Comment: This sequence change replaces threonine, which is neutral and polar, with asparagine, which is neutral and polar, at codon 758 of the UNC13D protein (p.Thr758Asn). This variant is not present in population databases (gnomAD no frequency). This variant has not been reported in the literature in individuals affected with UNC13D-related conditions. Invitae Evidence Modeling of protein sequence and biophysical properties (such as structural, functional, and spatial information, amino acid conservation, physicochemical variation, residue mobility, and thermodynamic stability) indicates that this missense variant is not expected to disrupt UNC13D protein function with a negative predictive value of 80%. In summary, the available evidence is currently insufficient to determine the role of this variant in disease. Therefore, it has been classified as a Variant of Uncertain Significance.